The following is an entry in ClinVar:

ClinVar aggregate classification (germline): Uncertain significance. Review status: criteria provided, multiple submitters, no conflicts (2 of 4 stars). 2 submissions from 2 submitters: Uncertain significance (2). Last evaluated 2025-09-10.

Conditions:
Perlman syndrome (PRLMNS). Identifiers: Orphanet 2849, MedGen C0796113, MONDO:0009965, OMIM 267000.
Inborn genetic diseases. Identifiers: MedGen C0950123, MeSH D030342.

Allele frequency attached by ClinVar (database versions not stated): gnomAD exomes 0.00001; TOPMed 0.00001; gnomAD 0.00002.
gnomAD v4.1: 17 of 1,613,818 alleles (0.0011%); highest among the groups gnomAD compares: Non-Finnish European, 0.0014%; no homozygotes.

Submissions (2):

Labcorp Genetics (formerly Invitae), Labcorp
Classification: Uncertain significance for Perlman syndrome. Last evaluated: 2025-09-10. Review status: criteria provided, single submitter. Criteria: Invitae Variant Classification Sherloc (09022015). Collection method: clinical testing. Allele origin: germline.
Comment: This sequence change replaces alanine, which is neutral and non-polar, with proline, which is neutral and non-polar, at codon 23 of the DIS3L2 protein (p.Ala23Pro). This variant is present in population databases (no rsID available, gnomAD 0.003%). This variant has not been reported in the literature in individuals affected with DIS3L2-related conditions. ClinVar contains an entry for this variant (Variation ID: 410727). An algorithm developed to predict the effect of missense changes on protein structure and function (PolyPhen-2) suggests that this variant is likely to be tolerated. In summary, the available evidence is currently insufficient to determine the role of this variant in disease. Therefore, it has been classified as a Variant of Uncertain Significance.

Ambry Genetics
Classification: Uncertain significance for Inborn genetic diseases. Last evaluated: 2023-04-18. Review status: criteria provided, single submitter. Criteria: Ambry Variant Classification Scheme 2023. Collection method: clinical testing. Allele origin: germline.

NM_152383.5(DIS3L2):c.67G>C (p.Ala23Pro)

Gene: DIS3L2 (DIS3 like 3'-5' exoribonuclease 2; plus strand). Cytogenetic location: 2q37.1.
Variant type: single nucleotide variant.
Coding change: c.67G>C on transcript NM_152383.5 (MANE Select); coding-DNA position 67, G replaced by C.
Protein change: p.Ala23Pro; replaces alanine 23 with proline.
Molecular consequence: missense variant. On other transcripts: non-coding transcript variant (2).
Genome position (GRCh38, 1-based): chr2:232,015,528, G>C. VCF-style: chr2-232015528-G-C. GRCh37 (hg19) VCF-style: chr2-232880238-G-C.
Other names: c.67G>C, p.Ala23Pro (NM_001257281.2, NM_001257282.2); short protein forms A23P.
Identifiers: ClinVar variation 410727 (VCV000410727.11), dbSNP rs886288172, ClinGen allele CA16610800.